The following is an entry in ClinVar:

ClinVar aggregate classification (germline): Uncertain significance (1 of 4 stars; one submission).

Conditions:
Primary open angle glaucoma (POAG). Also called: OPTN-related open angle glaucoma. Identifiers: MedGen C0339573, MONDO:0100553, OMIM 137760.
Glaucoma 1, open angle, E. Identifiers: MedGen C1842026, MONDO:0007665.
Amyotrophic lateral sclerosis type 12 (ALS12). Also called: AMYOTROPHIC LATERAL SCLEROSIS 12 WITH OR WITHOUT FRONTOTEMPORAL DEMENTIA. Identifiers: Orphanet 803, MedGen C3150692, MONDO:0013264, OMIM 613435.

gnomAD v4.1: 1 of 1,613,848 alleles (0.000062%); highest among the groups gnomAD compares: Non-Finnish European, 0.000085%; no homozygotes.

Submission:

Labcorp Genetics (formerly Invitae), Labcorp
Classification: Uncertain significance for Primary open angle glaucoma; Glaucoma 1, open angle, E; Amyotrophic lateral sclerosis type 12. Last evaluated: 2022-06-13. Review status: criteria provided, single submitter. Criteria: Invitae Variant Classification Sherloc (09022015). Collection method: clinical testing. Allele origin: germline.
Comment: This sequence change replaces histidine, which is basic and polar, with aspartic acid, which is acidic and polar, at codon 317 of the OPTN protein (p.His317Asp). This variant is not present in population databases (gnomAD no frequency). In summary, the available evidence is currently insufficient to determine the role of this variant in disease. Therefore, it has been classified as a Variant of Uncertain Significance. Algorithms developed to predict the effect of missense changes on protein structure and function are either unavailable or do not agree on the potential impact of this missense change (SIFT: "Tolerated"; PolyPhen-2: "Probably Damaging"; Align-GVGD: "Class C0"). This variant has not been reported in the literature in individuals affected with OPTN-related conditions.

NM_001008212.2(OPTN):c.949C>G (p.His317Asp)

Gene: OPTN (optineurin; plus strand). Cytogenetic location: 10p13.
Variant type: single nucleotide variant.
Coding change: c.949C>G on transcript NM_001008212.2 (MANE Select); coding-DNA position 949, C replaced by G.
Protein change: p.His317Asp; replaces histidine 317 with aspartic acid.
Molecular consequence: missense variant.
Genome position (GRCh38, 1-based): chr10:13,124,061, C>G. VCF-style: chr10-13124061-C-G. GRCh37 (hg19) VCF-style: chr10-13166061-C-G.
Other names: c.949C>G, p.His317Asp (NM_001008211.1, NM_001008213.1, NM_021980.4); short protein forms H317D.
Identifiers: ClinVar variation 1384457 (VCV001384457.8), dbSNP rs1387105883, ClinGen allele CA376029059.